The following is an entry in ClinVar:

ClinVar aggregate classification (germline): Uncertain significance (1 of 4 stars; one submission).

Submission:

Labcorp Genetics (formerly Invitae), Labcorp
Classification: Uncertain significance. Last evaluated: 2022-09-09. Review status: criteria provided, single submitter. Criteria: Invitae Variant Classification Sherloc (09022015). Collection method: clinical testing. Allele origin: germline.
Comment: In summary, the available evidence is currently insufficient to determine the role of this variant in disease. Therefore, it has been classified as a Variant of Uncertain Significance. This variant has not been reported in the literature in individuals affected with HTRA1-related conditions. A copy number gain of the genomic region encompassing the full coding sequence of the HTRA1 gene has been identified. The boundaries of this event are unknown as they extend beyond the assayed region for this gene and therefore may encompass additional genes. As the precise location of this event is unknown, it may be in tandem or it may be located elsewhere in the genome.

NC_000010.10:g.(?_124214244)_(124273875_?)dup

Genes: ARMS2 (age-related maculopathy susceptibility 2; plus strand), HTRA1 (HtrA serine peptidase 1; plus strand). Cytogenetic location: 10q26.13.
Variant type: Duplication.
Identifiers: ClinVar variation 2424540 (VCV002424540.2).